The following is an entry in ClinVar:

NM_005263.5(GFI1):c.98C>A (p.Pro33Gln)

Gene: GFI1 (growth factor independent 1 transcriptional repressor; minus strand). Cytogenetic location: 1p22.1.
Variant type: single nucleotide variant.
Coding change: c.98C>A on transcript NM_005263.5 (MANE Select); coding-DNA position 98, C replaced by A.
Protein change: p.Pro33Gln; replaces proline 33 with glutamine.
Molecular consequence: missense variant.
Genome position (GRCh38, 1-based): chr1:92,483,390, G>T on the plus strand (C>A on the coding strand, the complement: GFI1 is on the minus strand). VCF-style: chr1-92483390-G-T. GRCh37 (hg19) VCF-style: chr1-92948947-G-T.
Other names: c.98C>A, p.Pro33Gln (NM_001127215.3, NM_001127216.3); short protein forms P33Q.
Identifiers: ClinVar variation 4671602 (VCV004671602.1).

ClinVar aggregate classification (germline): Uncertain significance (1 of 4 stars; one submission).

Submission:

Ambry Genetics
Classification: Uncertain significance. Last evaluated: 2025-11-17. Review status: criteria provided, single submitter. Criteria: Ambry Variant Classification Scheme 2023. Collection method: clinical testing. Allele origin: germline.
Comment: The p.P33Q variant (also known as c.98C>A), located in coding exon 1 of the GFI1 gene, results from a C to A substitution at nucleotide position 98. The proline at codon 33 is replaced by glutamine, an amino acid with similar properties. This amino acid position is conserved. In addition, this alteration is predicted to be tolerated by in silico analysis. Based on the available evidence, the clinical significance of this variant remains unclear.